The following is an entry in ClinVar:

ClinVar aggregate classification (germline): Conflicting classifications of pathogenicity. Review status: criteria provided, conflicting classifications (1 of 4 stars). 3 submissions from 3 submitters: Uncertain significance (2); Likely benign (1). Last evaluated 2025-08-10.

gnomAD v4.1: 18 of 1,551,478 alleles (0.0012%); highest among the groups gnomAD compares: East Asian, 0.0098%; no homozygotes.

Submissions (3):

Labcorp Genetics (formerly Invitae), Labcorp
Classification: Uncertain significance. Last evaluated: 2025-08-10. Review status: criteria provided, single submitter. Criteria: Invitae Variant Classification Sherloc (09022015). Collection method: clinical testing. Allele origin: germline.
Comment: This sequence change replaces threonine, which is neutral and polar, with methionine, which is neutral and non-polar, at codon 64 of the YME1L1 protein (p.Thr64Met). This variant is present in population databases (no rsID available, gnomAD 0.02%). This variant has not been reported in the literature in individuals affected with YME1L1-related conditions. ClinVar contains an entry for this variant (Variation ID: 3983209). An algorithm developed to predict the effect of missense changes on protein structure and function (PolyPhen-2) suggests that this variant is likely to be tolerated. In summary, the available evidence is currently insufficient to determine the role of this variant in disease. Therefore, it has been classified as a Variant of Uncertain Significance.

Ambry Genetics
Classification: Uncertain significance. Last evaluated: 2025-06-10. Review status: criteria provided, single submitter. Criteria: Ambry Variant Classification Scheme 2023. Collection method: clinical testing. Allele origin: germline.

Blueprint Genetics
Classification: Likely benign. Last evaluated: 2024-04-25. Review status: criteria provided, single submitter. Criteria: ACMG Guidelines, 2015. Collection method: clinical testing. Allele origin: germline.

NM_014263.4(YME1L1):c.168+1260C>T

Gene: YME1L1 (YME1 like 1 ATPase; minus strand). Cytogenetic location: 10p12.1.
Variant type: single nucleotide variant.
Coding change: c.168+1260C>T on transcript NM_014263.4 (MANE Select); 1260 bases into the intron after coding-DNA position 168, C replaced by T.
Molecular consequence: intron variant. On other transcripts: missense variant (1).
Genome position (GRCh38, 1-based): chr10:27,147,646, G>A on the plus strand (C>T on the coding strand, the complement: YME1L1 is on the minus strand). VCF-style: chr10-27147646-G-A. GRCh37 (hg19) VCF-style: chr10-27436575-G-A.
Other names: c.191C>T, p.Thr64Met (NM_139312.3); c.168+1260C>T (NM_001253866.2); short protein forms T64M.
Identifiers: ClinVar variation 3983209 (VCV003983209.3).